The following is an entry in ClinVar:

ClinVar aggregate classification (germline): Benign. Review status: criteria provided, multiple submitters, no conflicts (2 of 4 stars). 8 submissions from 8 submitters: Benign (5). 3 of the submissions do not count toward it. Last evaluated 2026-02-04.

Conditions:
Glycogen storage disease due to muscle and heart glycogen synthase deficiency. Also called: GSD 0b; MUSCLE GLYCOGEN SYNTHASE DEFICIENCY. Identifiers: Orphanet 137625, MedGen C1969054, MONDO:0012693, OMIM 611556.

Allele frequency attached by ClinVar (database versions not stated): 1000 Genomes Project 30x 0.25281; 1000 Genomes Project 0.25459; gnomAD exomes 0.26916 and 0.28408; ExAC 0.26970; TOPMed 0.28022; gnomAD 0.28278 and 0.28606; ESP Exome Variant Server 0.29048.
gnomAD v4.1: 457,475 of 1,612,778 alleles (28%); highest among the groups gnomAD compares: Middle Eastern, 37%; 65,964 homozygotes.

Submissions (8):

Labcorp Genetics (formerly Invitae), Labcorp
Classification: Benign for Glycogen storage disease due to muscle and heart glycogen synthase deficiency. Last evaluated: 2026-02-04. Review status: criteria provided, single submitter. Criteria: Invitae Variant Classification Sherloc (09022015). Collection method: clinical testing. Allele origin: germline.

Genome-Nilou Lab
Classification: Benign for Glycogen storage disease due to muscle and heart glycogen synthase deficiency. Last evaluated: 2021-08-10. Review status: criteria provided, single submitter. Criteria: ACMG Guidelines, 2015. Collection method: clinical testing. Allele origin: germline. Affected: no.

Illumina Laboratory Services, Illumina
Classification: Benign for Glycogen storage disease due to muscle and heart glycogen synthase deficiency. Last evaluated: 2018-01-13. Review status: criteria provided, single submitter. Criteria: ICSL Variant Classification Criteria 13 December 2019. Collection method: clinical testing. Allele origin: germline.
Comment: This variant was observed in the ICSL laboratory as part of a predisposition screen in an ostensibly healthy population. It had not been previously curated by ICSL or reported in the Human Gene Mutation Database (HGMD: prior to June 1st, 2018), and was therefore a candidate for classification through an automated scoring system. Utilizing variant allele frequency, disease prevalence and penetrance estimates, and inheritance mode, an automated score was calculated to assess if this variant is too frequent to cause the disease. Based on the score and internal cut-off values, a variant classified as benign is not then subjected to further curation. The score for this variant resulted in a classification of benign for this disease.

GeneDx
Classification: Benign. Last evaluated: 2015-12-02. Review status: criteria provided, single submitter. Criteria: GeneDx Variant Classification (06012015). Collection method: clinical testing. Allele origin: germline. Affected: yes.
Comment: This variant is considered likely benign or benign based on one or more of the following criteria: it is a conservative change, it occurs at a poorly conserved position in the protein, it is predicted to be benign by multiple in silico algorithms, and/or has population frequency not consistent with disease.

Breakthrough Genomics
Classification: Benign. Review status: criteria provided, single submitter. Criteria: ACMG Guidelines, 2015. Collection method: not provided. Allele origin: germline. Inheritance: Autosomal recessive inheritance. Affected: yes.

Mayo Clinic Laboratories, Mayo Clinic
Classification: Benign. Last evaluated: 2015-10-20. Review status: no assertion criteria provided. Collection method: clinical testing. Allele origin: unknown. Not counted in ClinVar's aggregate classification.

Diagnostic Laboratory, Department of Genetics, University Medical Center Groningen
Classification: Benign. Review status: no assertion criteria provided. Collection method: clinical testing. Allele origin: germline. Affected: yes. Study: VKGL Data-share Consensus. Not counted in ClinVar's aggregate classification.

Joint Genome Diagnostic Labs from Nijmegen and Maastricht, Radboudumc and MUMC+
Classification: Benign. Review status: no assertion criteria provided. Collection method: clinical testing. Allele origin: germline. Affected: yes. Study: VKGL Data-share Consensus. Not counted in ClinVar's aggregate classification.

NM_002103.5(GYS1):c.1026C>T (p.Phe342=)

Gene: GYS1 (glycogen synthase 1; minus strand). Cytogenetic location: 19q13.33.
Variant type: single nucleotide variant.
Coding change: c.1026C>T on transcript NM_002103.5 (MANE Select); coding-DNA position 1026, C replaced by T.
Protein change: p.Phe342=; no amino-acid change (phenylalanine 342 retained).
Molecular consequence: synonymous variant. On other transcripts: non-coding transcript variant (1).
Genome position (GRCh38, 1-based): chr19:48,982,291, G>A on the plus strand (C>T on the coding strand, the complement: GYS1 is on the minus strand). VCF-style: chr19-48982291-G-A. GRCh37 (hg19) VCF-style: chr19-49485548-G-A.
Other names: c.834C>T, p.Phe278= (NM_001161587.2).
Identifiers: ClinVar variation 329818 (VCV000329818.22), dbSNP rs5464, ClinGen allele CA9563134.